The following is an entry in ClinVar:

NM_001099271.2(POC5):c.1316C>A (p.Thr439Asn)

Gene: POC5 (POC5 centriolar protein; minus strand). Cytogenetic location: 5q13.3.
Variant type: single nucleotide variant.
Coding change: c.1316C>A on transcript NM_001099271.2 (MANE Select); coding-DNA position 1316, C replaced by A.
Protein change: p.Thr439Asn; replaces threonine 439 with asparagine.
Molecular consequence: missense variant.
Genome position (GRCh38, 1-based): chr5:75,685,298, G>T on the plus strand (C>A on the coding strand, the complement: POC5 is on the minus strand). VCF-style: chr5-75685298-G-T. GRCh37 (hg19) VCF-style: chr5-74981123-G-T.
Other names: c.1241C>A, p.Thr414Asn (NM_152408.3); short protein forms T414N, T439N.
Identifiers: ClinVar variation 3680426 (VCV003680426.2).

ClinVar aggregate classification (germline): Uncertain significance (1 of 4 stars; one submission).

gnomAD v4.1: 1 of 1,614,056 alleles (0.000062%); highest among the groups gnomAD compares: Admixed American, 0.0017%; no homozygotes.

Submission:

Labcorp Genetics (formerly Invitae), Labcorp
Classification: Uncertain significance. Last evaluated: 2024-09-11. Review status: criteria provided, single submitter. Criteria: Invitae Variant Classification Sherloc (09022015). Collection method: clinical testing. Allele origin: germline.
Comment: This sequence change replaces threonine, which is neutral and polar, with asparagine, which is neutral and polar, at codon 439 of the POC5 protein (p.Thr439Asn). This variant is not present in population databases (gnomAD no frequency). This variant has not been reported in the literature in individuals affected with POC5-related conditions. An algorithm developed to predict the effect of missense changes on protein structure and function (PolyPhen-2) suggests that this variant is likely to be disruptive. In summary, the available evidence is currently insufficient to determine the role of this variant in disease. Therefore, it has been classified as a Variant of Uncertain Significance.